The following is an entry in ClinVar:

ClinVar aggregate classification (germline): Uncertain significance (1 of 4 stars; one submission).

Conditions:
Aicardi-Goutieres syndrome 7 (AGS7). Identifiers: Orphanet 51, MedGen C3888244, MONDO:0014367, OMIM 615846.
Singleton-Merten syndrome 1 (SGMRT1). Also called: Widened medullary cavities of bone, aortic calcification, abnormal dentition, and muscular weakness; Syndrome of widened medullary cavities of the metacarpals and phalanges, aortic calcification and abnormal dentition. Identifiers: Orphanet 85191, MedGen C4225427, MONDO:0024535, OMIM 182250.

Submission:

Labcorp Genetics (formerly Invitae), Labcorp
Classification: Uncertain significance for Aicardi-Goutieres syndrome 7; Singleton-Merten syndrome 1. Last evaluated: 2025-10-06. Review status: criteria provided, single submitter. Criteria: Invitae Variant Classification Sherloc (09022015). Collection method: clinical testing. Allele origin: germline.
Comment: This variant, c.1827_1828delinsTA, is a complex sequence change that results in the deletion of 2 and insertion of 2 amino acid(s) in the IFIH1 protein (p.Glu609_Ala610delinsAspThr). Information on the frequency of this variant in the gnomAD database is not available, as this variant may be reported differently in the database. This variant has not been reported in the literature in individuals affected with IFIH1-related conditions. This variant has been observed in at least one individual who was not affected with IFIH1-related conditions (internal data). ClinVar contains an entry for this variant (Variation ID: 2936466). Experimental studies and prediction algorithms are not available or were not evaluated, and the functional significance of this variant is currently unknown. In summary, the available evidence is currently insufficient to determine the role of this variant in disease. Therefore, it has been classified as a Variant of Uncertain Significance.

NM_022168.4(IFIH1):c.1827_1828delinsTA (p.Glu609_Ala610delinsAspThr)

Gene: IFIH1 (interferon induced with helicase C domain 1; minus strand). Cytogenetic location: 2q24.2.
Variant type: Indel.
Coding change: c.1827_1828delinsTA on transcript NM_022168.4 (MANE Select); coding-DNA positions 1827 to 1828, GG replaced by TA.
Protein change: p.Glu609_Ala610delinsAspThr.
Molecular consequence: missense variant.
Genome position (GRCh38, 1-based): chr2:162,277,631-162,277,632, CC replaced by TA on the plus strand (GG replaced by TA on the coding strand, the reverse complement: IFIH1 is on the minus strand). VCF-style: chr2-162277631-CC-TA. GRCh37 (hg19) VCF-style: chr2-163134141-CC-TA.
Identifiers: ClinVar variation 2936466 (VCV002936466.3), dbSNP rs2468959490, ClinGen allele CA2740095768.
Genomic context (GRCh38, chr2:162,277,631, plus strand): 5'-AGAAAGTTTCAAGATGAGTATACGCATCTATCATTCGAATTGTGTCATTAATTTGTAGGG[CC>TA]TCATTGTACTTCCTCAAATGTTCTGCACAAACACGTTCTTTGCGATTTCCTTCTTTTGCA-3'